The following is an entry in ClinVar:

ClinVar aggregate classification (germline): Conflicting classifications of pathogenicity. Review status: criteria provided, conflicting classifications (1 of 4 stars). 4 submissions from 4 submitters: Uncertain significance (3); Likely benign (1). Last evaluated 2026-04-12.

Conditions:
Inborn genetic diseases. Identifiers: MedGen C0950123, MeSH D030342.
COL11A2-related disorder. Also called: COL11A2-related condition; COL11A2-related disorders.

Allele frequency attached by ClinVar (database versions not stated): ExAC 0.00002; gnomAD 0.00003 and 0.00004; gnomAD exomes 0.00003; TOPMed 0.00001.
gnomAD v4.1: 36 of 1,612,314 alleles (0.0022%); highest among the groups gnomAD compares: African/African-American, 0.0067%; no homozygotes.

Submissions (4):

PreventionGenetics, part of Exact Sciences
Classification: Uncertain significance for COL11A2-related condition. Last evaluated: 2026-04-12. Review status: criteria provided, single submitter. Criteria: ACMG Guidelines, 2015. Collection method: clinical testing. Allele origin: germline.
Comment: The COL11A2 c.4055C>T variant is predicted to result in the amino acid substitution p.Pro1352Leu. To our knowledge, this variant has not been reported in the literature. This variant is present in 0.0085% of alleles in individuals of African descent in gnomAD. At this time, the clinical significance of this variant is uncertain due to the absence of conclusive functional and genetic evidence.

Labcorp Genetics (formerly Invitae), Labcorp
Classification: Likely benign. Last evaluated: 2025-12-22. Review status: criteria provided, single submitter. Criteria: Invitae Variant Classification Sherloc (09022015). Collection method: clinical testing. Allele origin: germline.

Ambry Genetics
Classification: Uncertain significance for Inborn genetic diseases. Last evaluated: 2025-04-10. Review status: criteria provided, single submitter. Criteria: Ambry Variant Classification Scheme 2023. Collection method: clinical testing. Allele origin: germline.

Laboratory for Molecular Medicine, Mass General Brigham Personalized Medicine
Classification: Uncertain significance. Last evaluated: 2016-06-21. Review status: criteria provided, single submitter. Criteria: LMM Criteria. Collection method: clinical testing. Allele origin: germline. Observed: 1 variant allele.
Comment: The p.Pro1352Leu variant in COL11A2 has not been previously reported in individu als with hearing loss, but has been identified in 1/16078 South Asian chromosome s and in 1/61820 European chromosomes by the Exome Aggregation Consortium (ExAC; dbSNP rs763995767). Computational prediction to ols and conservation analysis do not provide strong support for or against an im pact to the protein. In summary, the clinical significance of the p.Pro1352Leu i s uncertain.

NM_080680.3(COL11A2):c.4055C>T (p.Pro1352Leu)

Gene: COL11A2 (collagen type XI alpha 2 chain; minus strand). Cytogenetic location: 6p21.32.
Variant type: single nucleotide variant.
Coding change: c.4055C>T on transcript NM_080680.3 (MANE Select); coding-DNA position 4055, C replaced by T.
Protein change: p.Pro1352Leu; replaces proline 1352 with leucine.
Molecular consequence: missense variant.
Genome position (GRCh38, 1-based): chr6:33,167,493, G>A on the plus strand (C>T on the coding strand, the complement: COL11A2 is on the minus strand). VCF-style: chr6-33167493-G-A. GRCh37 (hg19) VCF-style: chr6-33135270-G-A.
Other names: c.3734C>T, p.Pro1245Leu (NM_080679.3); c.3797C>T, p.Pro1266Leu (NM_080681.3); short protein forms P1352L, P1266L, P1245L.
Identifiers: ClinVar variation 505177 (VCV000505177.13), dbSNP rs763995767, ClinGen allele CA3750239.